The following is an entry in ClinVar:

ClinVar aggregate classification (germline): Uncertain significance (1 of 4 stars; one submission).

Conditions:
PHGDH deficiency. Identifiers: Orphanet 79351, MedGen C1866174, MONDO:0011152, OMIM 601815.

Submission:

Labcorp Genetics (formerly Invitae), Labcorp
Classification: Uncertain significance for PHGDH deficiency. Last evaluated: 2025-02-17. Review status: criteria provided, single submitter. Criteria: Invitae Variant Classification Sherloc (09022015). Collection method: clinical testing. Allele origin: germline.
Comment: This sequence change replaces glycine, which is neutral and non-polar, with valine, which is neutral and non-polar, at codon 238 of the PHGDH protein (p.Gly238Val). This variant is not present in population databases (gnomAD no frequency). This variant has not been reported in the literature in individuals affected with PHGDH-related conditions. ClinVar contains an entry for this variant (Variation ID: 1499042). Invitae Evidence Modeling of protein sequence and biophysical properties (such as structural, functional, and spatial information, amino acid conservation, physicochemical variation, residue mobility, and thermodynamic stability) indicates that this missense variant is not expected to disrupt PHGDH protein function with a negative predictive value of 80%. In summary, the available evidence is currently insufficient to determine the role of this variant in disease. Therefore, it has been classified as a Variant of Uncertain Significance.

NM_006623.4(PHGDH):c.713G>T (p.Gly238Val)

Gene: PHGDH (phosphoglycerate dehydrogenase; plus strand). Cytogenetic location: 1p12.
Variant type: single nucleotide variant.
Coding change: c.713G>T on transcript NM_006623.4 (MANE Select); coding-DNA position 713, G replaced by T.
Protein change: p.Gly238Val; replaces glycine 238 with valine.
Molecular consequence: missense variant.
Genome position (GRCh38, 1-based): chr1:119,735,364, G>T. VCF-style: chr1-119735364-G-T. GRCh37 (hg19) VCF-style: chr1-120277987-G-T.
Other names: short protein forms G238V.
Identifiers: ClinVar variation 1499042 (VCV001499042.6), dbSNP rs2101198427, ClinGen allele CA341850192.